The following is an entry in ClinVar:

NM_001018113.3(FANCB):c.454T>C (p.Phe152Leu)

Gene: FANCB (FA complementation group B; minus strand). Cytogenetic location: Xp22.2.
Variant type: single nucleotide variant.
Coding change: c.454T>C on transcript NM_001018113.3 (MANE Select); coding-DNA position 454, T replaced by C.
Protein change: p.Phe152Leu; replaces phenylalanine 152 with leucine.
Molecular consequence: missense variant.
Genome position (GRCh38, 1-based): chrX:14,865,057, A>G on the plus strand (T>C on the coding strand, the complement: FANCB is on the minus strand). VCF-style: chrX-14865057-A-G. GRCh37 (hg19) VCF-style: chrX-14883179-A-G.
Other names: c.454T>C, p.Phe152Leu (NM_001324162.2, NM_152633.4); short protein forms F152L.
Identifiers: ClinVar variation 1366115 (VCV001366115.5), dbSNP rs2092463362, ClinGen allele CA412444465.
Genomic context (GRCh38, chrX:14,865,057, plus strand): 5'-ACTGAATAGAGGAAAAGTTACCTGACACACTAACAACTTTGCCAGTTTGAGAAGAGATAA[A>G]GAAGAATGCTTTGACATGCCTCCATAAAATTAAAGGGCCATTAAGGACCCTTAGGCCATC-3'
Protein context (NP_001018123.1, residues 142-162): ILWRHVKAFF[Phe152Leu]ISSQTGKVVS

ClinVar aggregate classification (germline): Uncertain significance (1 of 4 stars; one submission).

Conditions:
Fanconi anemia (FA). Also called: Fanconi's anemia. Identifiers: Orphanet 84, MedGen C0015625, MeSH D005199, MONDO:0019391.

Allele frequency attached by ClinVar (database versions not stated): gnomAD exomes below 0.00001; TOPMed 0.00001.
gnomAD v4.1: 1 of 1,210,709 alleles (0.000083%); highest among the groups gnomAD compares: Non-Finnish European, 0.00011%; no homozygotes.

Submission:

Labcorp Genetics (formerly Invitae), Labcorp
Classification: Uncertain significance for Fanconi anemia. Last evaluated: 2025-07-02. Review status: criteria provided, single submitter. Criteria: Invitae Variant Classification Sherloc (09022015). Collection method: clinical testing. Allele origin: germline.
Comment: This sequence change replaces phenylalanine, which is neutral and non-polar, with leucine, which is neutral and non-polar, at codon 152 of the FANCB protein (p.Phe152Leu). This variant is not present in population databases (gnomAD no frequency). This variant has not been reported in the literature in individuals affected with FANCB-related conditions. ClinVar contains an entry for this variant (Variation ID: 1366115). Invitae Evidence Modeling of protein sequence and biophysical properties (such as structural, functional, and spatial information, amino acid conservation, physicochemical variation, residue mobility, and thermodynamic stability) indicates that this missense variant is not expected to disrupt FANCB protein function with a negative predictive value of 80%. In summary, the available evidence is currently insufficient to determine the role of this variant in disease. Therefore, it has been classified as a Variant of Uncertain Significance.